The following is an entry in ClinVar:

NM_001130987.2(DYSF):c.769C>T (p.Gln257Ter)

Gene: DYSF (dysferlin; plus strand). Cytogenetic location: 2p13.2.
Variant type: single nucleotide variant.
Coding change: c.769C>T on transcript NM_001130987.2 (MANE Select); coding-DNA position 769, C replaced by T.
Protein change: p.Gln257Ter; replaces glutamine 257 with a stop codon.
Molecular consequence: nonsense.
Genome position (GRCh38, 1-based): chr2:71,515,632, C>T. VCF-style: chr2-71515632-C-T. GRCh37 (hg19) VCF-style: chr2-71742762-C-T.
Other names: c.676C>T, p.Gln226Ter (NM_001130455.2, NM_001130983.2, NM_001130984.2 and 1 more transcripts); c.673C>T, p.Gln225Ter (NM_001130976.2, NM_001130977.2, NM_001130978.2 and 1 more transcripts); c.766C>T, p.Gln256Ter (NM_001130979.2, NM_001130980.2, NM_001130981.2); c.769C>T, p.Gln257Ter (NM_001130982.2, NM_001130985.2); short protein forms Q225*, Q226*, Q256*, Q257*.
Identifiers: ClinVar variation 1708553 (VCV001708553.4), dbSNP rs2545413054, ClinGen allele CA347208337.

ClinVar aggregate classification (germline): Pathogenic. Review status: criteria provided, single submitter (1 of 4 stars). 2 submissions from 2 submitters: Pathogenic (1). 1 of the submissions does not count toward it. Last evaluated 2023-11-08.

Conditions:
Neuromuscular disease caused by qualitative or quantitative defects of dysferlin. Also called: Qualitative or quantitative defects of dysferlin; Dysferlinopathy. Identifiers: Orphanet 207073, MedGen C2931687, MONDO:0016145.
Autosomal recessive limb-girdle muscular dystrophy type 2B (LGMDR2). Also called: Limb-girdle muscular dystrophy, type 2B; MUSCULAR DYSTROPHY, LIMB-GIRDLE, AUTOSOMAL RECESSIVE 2; MUSCULAR DYSTROPHY, LIMB-GIRDLE, TYPE 3; Limb-Girdle Muscular Dystrophy Type 2B (LGMD2B). Identifiers: Orphanet 268, MedGen C1850889, MONDO:0009676, OMIM 253601.

Submissions (2):

Labcorp Genetics (formerly Invitae), Labcorp
Classification: Pathogenic for Neuromuscular disease caused by qualitative or quantitative defects of dysferlin. Last evaluated: 2023-11-08. Review status: criteria provided, single submitter. Criteria: Invitae Variant Classification Sherloc (09022015). Collection method: clinical testing. Allele origin: germline.
Comment: This sequence change creates a premature translational stop signal (p.Gln225*) in the DYSF gene. It is expected to result in an absent or disrupted protein product. Loss-of-function variants in DYSF are known to be pathogenic (PMID: 17698709, 20301480). This variant is not present in population databases (gnomAD no frequency). This premature translational stop signal has been observed in individual(s) with limb-girdle muscular dystrophy (PMID: 36319958). ClinVar contains an entry for this variant (Variation ID: 1708553). For these reasons, this variant has been classified as Pathogenic.

Neuropathology Laboratory of Hebei Province, The Second Hospital of Hebei Medical University
Classification: Pathogenic for Autosomal recessive limb-girdle muscular dystrophy type 2B. Review status: no assertion criteria provided. Collection method: clinical testing. Allele origin: paternal. Affected: yes. Not counted in ClinVar's aggregate classification.

Literature cited by the submitters: PubMed 17698709 (cited by Labcorp Genetics (formerly Invitae), Labcorp); PubMed 20301480 (cited by Labcorp Genetics (formerly Invitae), Labcorp); PubMed 36319958 (cited by Labcorp Genetics (formerly Invitae), Labcorp).